The following is an entry in ClinVar:

NM_003119.4(SPG7):c.1361C>T (p.Ser454Phe)

Gene: SPG7 (SPG7 matrix AAA peptidase subunit, paraplegin; plus strand). Cytogenetic location: 16q24.3.
Variant type: single nucleotide variant.
Coding change: c.1361C>T on transcript NM_003119.4 (MANE Select); coding-DNA position 1361, C replaced by T.
Protein change: p.Ser454Phe; replaces serine 454 with phenylalanine.
Molecular consequence: missense variant.
Genome position (GRCh38, 1-based): chr16:89,544,684, C>T. VCF-style: chr16-89544684-C-T. GRCh37 (hg19) VCF-style: chr16-89611092-C-T.
Other names: c.1361C>T, p.Ser454Phe (NM_001363850.1); short protein forms S454F.
Identifiers: ClinVar variation 1923029 (VCV001923029.5), dbSNP rs2058540906, ClinGen allele CA397425186.

ClinVar aggregate classification (germline): Uncertain significance (1 of 4 stars; one submission).

Conditions:
Hereditary spastic paraplegia 7 (SPG7). Also called: SPG7-related neurologic disorder; Autosomal recessive spastic paraplegia type 7; Spastic paraplegia 7; Hereditary spastic paraplegia Paraplegin type; SPASTIC PARAPLEGIA 7, AUTOSOMAL RECESSIVE, WITH OR WITHOUT CEREBELLAR ATAXIA. Identifiers: Orphanet 99013, MedGen C1846564, MONDO:0011803, OMIM 607259.

Allele frequency attached by ClinVar (database versions not stated): TOPMed below 0.00001.

Submission:

Labcorp Genetics (formerly Invitae), Labcorp
Classification: Uncertain significance for Hereditary spastic paraplegia 7. Last evaluated: 2022-08-29. Review status: criteria provided, single submitter. Criteria: Invitae Variant Classification Sherloc (09022015). Collection method: clinical testing. Allele origin: germline.
Comment: In summary, the available evidence is currently insufficient to determine the role of this variant in disease. Therefore, it has been classified as a Variant of Uncertain Significance. Advanced modeling of protein sequence and biophysical properties (such as structural, functional, and spatial information, amino acid conservation, physicochemical variation, residue mobility, and thermodynamic stability) performed at Invitae indicates that this missense variant is expected to disrupt SPG7 protein function. This variant has not been reported in the literature in individuals affected with SPG7-related conditions. This variant is not present in population databases (gnomAD no frequency). This sequence change replaces serine, which is neutral and polar, with phenylalanine, which is neutral and non-polar, at codon 454 of the SPG7 protein (p.Ser454Phe).